The following is an entry in ClinVar:

NM_001349338.3(FOXP1):c.1064T>C (p.Leu355Pro)

Gene: FOXP1 (forkhead box P1; minus strand). Cytogenetic location: 3p13.
Variant type: single nucleotide variant.
Coding change: c.1064T>C on transcript NM_001349338.3 (MANE Select); coding-DNA position 1064, T replaced by C.
Protein change: p.Leu355Pro; replaces leucine 355 with proline.
Molecular consequence: missense variant. On other transcripts: non-coding transcript variant (2).
Genome position (GRCh38, 1-based): chr3:70,988,076, A>G on the plus strand (T>C on the coding strand, the complement: FOXP1 is on the minus strand). VCF-style: chr3-70988076-A-G. GRCh37 (hg19) VCF-style: chr3-71037227-A-G.
Other names: c.1064T>C, p.Leu355Pro (NM_001244808.3, NM_001244810.2, NM_001244814.3 and 3 more transcripts); c.836T>C, p.Leu279Pro (NM_001244812.3); c.764T>C, p.Leu255Pro (NM_001244813.3, NM_001244815.2, NM_001349342.3 and 1 more transcripts); c.761T>C, p.Leu254Pro (NM_001349337.2, NM_001349343.3, NM_001349344.3); c.1061T>C, p.Leu354Pro (NM_001349341.3); short protein forms L355P, L279P, L354P, L255P, L254P.
Identifiers: ClinVar variation 421700 (VCV000421700.2), dbSNP rs1064795306, ClinGen allele CA16618010.
Genomic context (GRCh38, chr3:70,988,076, plus strand): 5'-TCTGTAGACTTCACATGCAGGTGGGTCATCATGGCTTGCAGGCGTTCTTTGTCTTTTGCA[A>G]GCTGGCAAGAAGAAAATGCTTTGTTATTTCTCTGAATAAAGATGCATGGCTCTTAACACC-3'
Protein context (NP_001336267.1, residues 345-365): MQVVQQLELQ[Leu355Pro]AKDKERLQAM

ClinVar aggregate classification (germline): Likely pathogenic (1 of 4 stars; one submission).

Submission:

GeneDx
Classification: Likely pathogenic. Last evaluated: 2016-07-21. Review status: criteria provided, single submitter. Criteria: GeneDx Variant Classification (06012015). Collection method: clinical testing. Allele origin: germline. Affected: yes.
Comment: The L355P variant in the FOXP1 gene has not been reported previously as a pathogenic variant, nor as a benign variant, to our knowledge. The L355P variant was not observed in approximately 6,500 individuals of European and African American ancestry in the NHLBI Exome Sequencing Project, indicating it is not a common benign variant in these populations. The L355P variant is a semi-conservative amino acid substitution, which may impact secondary protein structure as these residues differ in some properties. This substitution occurs at a position that is conserved across species. In silico analysis predicts this variant is probably damaging to the protein structure/function. Therefore, we interpret the L355P as a likely pathogenic variant, however the possibility it may be a rare benign variant cannot be excluded.